The following is an entry in ClinVar:

ClinVar aggregate classification (germline): Conflicting classifications of pathogenicity. Review status: criteria provided, conflicting classifications (1 of 4 stars). 4 submissions from 4 submitters: Likely pathogenic (1); Uncertain significance (2). 1 of the submissions does not count toward it. Last evaluated 2025-10-20.

Conditions:
Muscular dystrophy-dystroglycanopathy (congenital with brain and eye anomalies), type a, 10 (MDDGA10). Also called: WALKER-WARBURG SYNDROME OR MUSCLE-EYE-BRAIN DISEASE, TMEM5-RELATED. Identifiers: Orphanet 899, MedGen C3554381, MONDO:0014022, OMIM 615041.
Muscular dystrophy-dystroglycanopathy (congenital with brain and eye anomalies), type A, 4 (MDDGA4). Also called: Walker-Warburg Syndrome, Fktn-Related; Muscular dystrophy, congenital progressive, with mental retardation; Muscular dystrophy, congenital, with central nervous system involvement; Cerebromuscular dystrophy, Fukuyama type; Fukuyama congenital muscular dystrophy; Congenital muscular dystrophy-dystroglycanopathy with brain and eye anomalies, type A4. Identifiers: Orphanet 272, Orphanet 588, Orphanet 899, MedGen C0410174, MONDO:0009678, OMIM 253800.
Autosomal recessive limb-girdle muscular dystrophy type 2I. Also called: MUSCULAR DYSTROPHY-DYSTROGLYCANOPATHY (LIMB-GIRDLE), TYPE C, 5; MUSCULAR DYSTROPHY-DYSTROGLYCANOPATHY, LIMB-GIRDLE, FRKP-RELATED; MUSCULAR DYSTROPHY, LIMB-GIRDLE, TYPE 2I. Identifiers: Orphanet 34515, MedGen C1846672, MONDO:0011787, OMIM 607155.

Allele frequency attached by ClinVar (database versions not stated): ExAC below 0.00001.
gnomAD v4.1: 7 of 1,500,282 alleles (0.00047%); highest among the groups gnomAD compares: South Asian, 0.0076%; no homozygotes.

Submissions (4):

Natera, Inc.
Classification: Likely pathogenic for Limb-girdle muscular dystrophy type 2I. Last evaluated: 2025-10-20. Review status: criteria provided, single submitter. Criteria: Natera Variant Classification Schema (03/2026). Collection method: clinical testing. Allele origin: germline.
Comment: The c.679G>C variant in FKRP is a missense variant predicted to cause substitution of alanine to proline at amino acid 227. This variant is rare in the general population with a frequency below the threshold expected for the associated phenotype(s). This variant has been observed in one or more individuals affected with the associated recessive disease, as either homozygous or compound heterozygous with a second variant (PMID: 33200426, 28688748). Multiple computational prediction algorithms suggest this variant is unlikely to affect gene or protein function. Given the available evidence, this variant is classified as Likely Pathogenic.

Neuberg Centre For Genomic Medicine, NCGM
Classification: Uncertain significance for Muscular dystrophy-dystroglycanopathy (congenital with brain and eye anomalies), type a, 10. Last evaluated: 2023-06-22. Review status: criteria provided, single submitter. Criteria: ACMG Guidelines, 2015. Collection method: clinical testing. Allele origin: germline. Inheritance: Autosomal recessive inheritance. Affected: yes.
Comment: The observed missense variant c.679G>C(p.Ala227Pro) in FKRP gene has not been reported previously as a pathogenic variant nor as a benign variant, to our knowledge. This variant is reported with 0.001% allele frequency in gnomAD Exomes. It has been submitted to ClinVar as Uncertain Significance/ Pathogenic. Multiple lines of computational evidence (Polyphen-probably damaging, SIFT-damaging and Mutation Taster-disease causing) predict a damaging effect on protein structure and function for this variant. The amino acid Ala at position 227 is changed to a Pro changing protein sequence and it might alter its composition and physico-chemical properties. For these reasons, this variant has been classified as Uncertain Significance.

Revvity Omics, Revvity
Classification: Uncertain significance. Last evaluated: 2021-05-21. Review status: criteria provided, single submitter. Criteria: ACMG Guidelines, 2015. Collection method: clinical testing. Allele origin: germline.

Foundation for Research in Genetics and Endocrinology, FRIGE's Institute of Human Genetics
Classification: Pathogenic for Muscular dystrophy-dystroglycanopathy (congenital with brain and eye anomalies), type A, 4. Review status: no assertion criteria provided. Collection method: clinical testing. Allele origin: germline. Inheritance: Autosomal recessive inheritance. Affected: no. Observed: 1 variant allele, 1 heterozygote. Not counted in ClinVar's aggregate classification.
Comment: The observed variant is not reported in 1000 genomes and is likely to be pathogenic by SIFT and FATHMM.

Literature cited by the submitters: PubMed 33200426 (cited by Natera, Inc.); PubMed 28688748 (cited by Natera, Inc.).

NM_024301.5(FKRP):c.679G>C (p.Ala227Pro)

Gene: FKRP (fukutin related protein; plus strand). Cytogenetic location: 19q13.32.
Variant type: single nucleotide variant.
Coding change: c.679G>C on transcript NM_024301.5 (MANE Select); coding-DNA position 679, G replaced by C.
Protein change: p.Ala227Pro; replaces alanine 227 with proline.
Molecular consequence: missense variant.
Genome position (GRCh38, 1-based): chr19:46,756,129, G>C. VCF-style: chr19-46756129-G-C. GRCh37 (hg19) VCF-style: chr19-47259386-G-C.
Other names: c.679G>C, p.Ala227Pro (NM_001039885.3); c.679G>C (NM_024301.4); short protein forms A227P.
Identifiers: ClinVar variation 430845 (VCV000430845.7), dbSNP rs775681117, ClinGen allele CA501052.